The following is an entry in ClinVar:

NM_000191.3(HMGCL):c.308del (p.Tyr103fs)

Gene: HMGCL (3-hydroxy-3-methylglutaryl-CoA lyase; minus strand). Cytogenetic location: 1p36.11.
Variant type: Deletion.
Coding change: c.308del on transcript NM_000191.3 (MANE Select); coding-DNA position 308, one base deleted (A; older notation c.308delA).
Protein change: p.Tyr103fs; shifts the reading frame from tyrosine 103.
Molecular consequence: frameshift variant.
Genome position (GRCh38, 1-based): chr1:23,816,715, T deleted on the plus strand (A on the coding strand, the reverse complement: HMGCL is on the minus strand). VCF-style (leftmost placement, unchanged base first): chr1-23816714-GT-G. GRCh37 (hg19) VCF-style: chr1-24143204-GT-G.
Other names: c.308del, p.Tyr103fs (NM_001166059.2); short protein forms Y103fs.
Identifiers: ClinVar variation 1724674 (VCV001724674.2), dbSNP rs2521455405, ClinGen allele CA2580061567.
Genomic context (GRCh38, chr1:23,816,714, plus strand): 5'-ACCAACAAGCTATCCTCTTACCGCTGCCTCGAAGCCTTTCAAATTTGGGGTCAGGACTGG[GT>G]AGTTGATGCCAGGAAACTTCTGAATGCCCTTCAAGACTTCAGTGTGGTCACCCATCTAGG-3'

ClinVar aggregate classification (germline): Likely pathogenic (1 of 4 stars; one submission).

Conditions:
Deficiency of hydroxymethylglutaryl-CoA lyase (HMGCLD). Also called: HMGCL DEFICIENCY; HYDROXYMETHYLGLUTARIC ACIDURIA; HMG-CoA LYASE DEFICIENCY; Defect in leucine metabolism; 3-hydroxy-3-methylglutaric aciduria. Identifiers: Orphanet 20, MedGen C1533587, MONDO:0009520, OMIM 246450.

Submission:

Myriad Genetics, Inc.
Classification: Likely pathogenic for Deficiency of hydroxymethylglutaryl-CoA lyase. Last evaluated: 2022-02-25. Review status: criteria provided, single submitter. Criteria: Myriad Women's Health Autosomal Recessive and X-Linked Classification Criteria (2021). Collection method: clinical testing. Allele origin: unknown.
Comment: NM_000191.2(HMGCL):c.308delA(Y103Sfs*4) is expected to be pathogenic in the context of HMG-CoA lyase deficiency. This variant is predicted to lead to an abnormal or absent protein product due to the creation of a premature termination codon in HMGCL, a gene where loss-of-function variants are known to be pathogenic. Please note: this variant was assessed in the context of healthy population screening.